The following is an entry in ClinVar:

ClinVar aggregate classification (germline): Likely benign. Review status: criteria provided, multiple submitters, no conflicts (2 of 4 stars). 4 submissions from 4 submitters: Likely benign (3). 1 of the submissions does not count toward it. Last evaluated 2025-12-19.

Conditions:
ANKRD11-related disorder. Also called: ANKRD11-related condition.
KBG syndrome (KBGS). Also called: ANKRD11-Related KBG Syndrome. Identifiers: Orphanet 2332, MedGen C0220687, MONDO:0007846, OMIM 148050.

Allele frequency attached by ClinVar (database versions not stated): ExAC 0.00006; gnomAD exomes 0.00012 and 0.00026; gnomAD 0.00016; TOPMed 0.00016; ESP Exome Variant Server 0.00023.
gnomAD v4.1: 391 of 1,613,116 alleles (0.024%); highest among the groups gnomAD compares: Non-Finnish European, 0.032%; no homozygotes.

Submissions (4):

Labcorp Genetics (formerly Invitae), Labcorp
Classification: Likely benign for KBG syndrome. Last evaluated: 2025-12-19. Review status: criteria provided, single submitter. Criteria: Invitae Variant Classification Sherloc (09022015). Collection method: clinical testing. Allele origin: germline.

CeGaT Center for Human Genetics Tuebingen
Classification: Likely benign. Last evaluated: 2023-09-01. Review status: criteria provided, single submitter. Criteria: CeGaT Center For Human Genetics Tuebingen Variant Classification Criteria Version 2. Collection method: clinical testing. Allele origin: germline. Affected: yes. Observed: 2 variant alleles.
Comment: ANKRD11: BP4, BP7

GeneDx
Classification: Likely benign. Last evaluated: 2021-05-18. Review status: criteria provided, single submitter. Criteria: GeneDx Variant Classification Process June 2021. Collection method: clinical testing. Allele origin: germline. Affected: yes.

PreventionGenetics, part of Exact Sciences
Classification: Likely benign for ANKRD11-related condition. Last evaluated: 2023-10-27. Review status: no assertion criteria provided. Collection method: clinical testing. Allele origin: germline. Not counted in ClinVar's aggregate classification.
Comment: This variant is classified as likely benign based on ACMG/AMP sequence variant interpretation guidelines (Richards et al. 2015 PMID: 25741868, with internal and published modifications).

NM_013275.6(ANKRD11):c.3363T>C (p.Asp1121=)

Gene: ANKRD11 (ankyrin repeat domain 11; minus strand). Cytogenetic location: 16q24.3.
Variant type: single nucleotide variant.
Coding change: c.3363T>C on transcript NM_013275.6 (MANE Select); coding-DNA position 3363, T replaced by C.
Protein change: p.Asp1121=; no amino-acid change (aspartic acid 1121 retained).
Molecular consequence: synonymous variant.
Genome position (GRCh38, 1-based): chr16:89,283,179, A>G on the plus strand (T>C on the coding strand, the complement: ANKRD11 is on the minus strand). VCF-style: chr16-89283179-A-G. GRCh37 (hg19) VCF-style: chr16-89349587-A-G.
Other names: c.3363T>C, p.Asp1121= (NM_001256182.2, NM_001256183.2).
Identifiers: ClinVar variation 766784 (VCV000766784.43), dbSNP rs146897971, ClinGen allele CA8242377.